The following is an entry in ClinVar:

ClinVar aggregate classification (germline): Uncertain significance (1 of 4 stars; one submission).

Submission:

Labcorp Genetics (formerly Invitae), Labcorp
Classification: Uncertain significance. Last evaluated: 2025-01-08. Review status: criteria provided, single submitter. Criteria: Invitae Variant Classification Sherloc (09022015). Collection method: clinical testing. Allele origin: germline.
Comment: This sequence change replaces aspartic acid, which is acidic and polar, with tyrosine, which is neutral and polar, at codon 245 of the DGAT1 protein (p.Asp245Tyr). This variant is not present in population databases (gnomAD no frequency). This variant has not been reported in the literature in individuals affected with DGAT1-related conditions. Invitae Evidence Modeling of protein sequence and biophysical properties (such as structural, functional, and spatial information, amino acid conservation, physicochemical variation, residue mobility, and thermodynamic stability) indicates that this missense variant is not expected to disrupt DGAT1 protein function with a negative predictive value of 80%. In summary, the available evidence is currently insufficient to determine the role of this variant in disease. Therefore, it has been classified as a Variant of Uncertain Significance.

NM_012079.6(DGAT1):c.733G>T (p.Asp245Tyr)

Gene: DGAT1 (diacylglycerol O-acyltransferase 1; minus strand). Cytogenetic location: 8q24.3.
Variant type: single nucleotide variant.
Coding change: c.733G>T on transcript NM_012079.6 (MANE Select); coding-DNA position 733, G replaced by T.
Protein change: p.Asp245Tyr; replaces aspartic acid 245 with tyrosine.
Molecular consequence: missense variant.
Genome position (GRCh38, 1-based): chr8:144,318,113, C>A on the plus strand (G>T on the coding strand, the complement: DGAT1 is on the minus strand). VCF-style: chr8-144318113-C-A. GRCh37 (hg19) VCF-style: chr8-145541776-C-A.
Other names: short protein forms D245Y.
Identifiers: ClinVar variation 3720006 (VCV003720006.2).